The following is an entry in ClinVar:

NM_000053.4(ATP7B):c.3178G>T (p.Val1060Leu)

Gene: ATP7B (ATPase copper transporting beta; minus strand). Cytogenetic location: 13q14.3.
Variant type: single nucleotide variant.
Coding change: c.3178G>T on transcript NM_000053.4 (MANE Select); coding-DNA position 3178, G replaced by T.
Protein change: p.Val1060Leu; replaces valine 1060 with leucine.
Molecular consequence: missense variant.
Genome position (GRCh38, 1-based): chr13:51,944,174, C>A on the plus strand (G>T on the coding strand, the complement: ATP7B is on the minus strand). VCF-style: chr13-51944174-C-A. GRCh37 (hg19) VCF-style: chr13-52518310-C-A.
Other names: c.2557G>T, p.Val853Leu (NM_001005918.3); c.2845G>T, p.Val949Leu (NM_001243182.2); c.2944G>T, p.Val982Leu (NM_001330578.2); c.2926G>T, p.Val976Leu (NM_001330579.2); short protein forms V1060L, V853L, V949L, V976L, V982L.
Identifiers: ClinVar variation 3075597 (VCV003075597.1), dbSNP rs1957511285, ClinGen allele CA388030025.

ClinVar aggregate classification (germline): Uncertain significance (1 of 4 stars; one submission).

Conditions:
Wilson disease (WND). Also called: Wilson's disease. Identifiers: Orphanet 905, MedGen C0019202, MONDO:0010200, OMIM 277900. Disease mechanism: loss of function.

Submission:

All of Us Research Program, National Institutes of Health
Classification: Uncertain significance for Wilson disease. Last evaluated: 2023-11-30. Review status: criteria provided, single submitter. Criteria: ACMG Guidelines, 2015. Collection method: clinical testing. Allele origin: germline. Inheritance: Autosomal recessive inheritance. Observed: 1 variant allele, 1 heterozygote.
Comment: This study involves interpretation of variants in research participants for the purpose of population health screening. Participant phenotype was not available at the time of variant classification. Additional details can be found in publication PMID: 35346344, PMCID: PMC8962531